The following is an entry in ClinVar:

ClinVar aggregate classification (germline): Conflicting classifications of pathogenicity. Review status: criteria provided, conflicting classifications (1 of 4 stars). 9 submissions from 8 submitters: Uncertain significance (7); Benign (1); Likely benign (1). Last evaluated 2026-10-13.

Conditions:
NOTCH1-related disorder. Also called: NOTCH1-related disorders; NOTCH1-related condition.
Aortic valve disease 1 (AOVD1). Identifiers: MedGen C3887892, MONDO:0024523, OMIM 109730.
Adams-Oliver syndrome 5 (AOS5). Identifiers: Orphanet 974, MedGen C4014970, MONDO:0014459, OMIM 616028.
Familial thoracic aortic aneurysm and aortic dissection (TAAD). Also called: Thoracic aortic aneurysms and dissections. Identifiers: Orphanet 91387, MedGen C4707243, MONDO:0019625.

Allele frequency attached by ClinVar (database versions not stated): 1000 Genomes Project below 0.00001; gnomAD exomes 0.00004 and 0.00002; TOPMed 0.00012; gnomAD 0.00009 and 0.00008; ExAC 0.00003.
gnomAD v4.1: 82 of 1,599,562 alleles (0.0051%); highest among the groups gnomAD compares: East Asian, 0.051%; no homozygotes.

Submissions (9):

GeneDx
Classification: Uncertain significance. Last evaluated: 2026-10-13. Review status: criteria provided, single submitter. Criteria: GeneDx Variant Classification Process June 2021. Collection method: clinical testing. Allele origin: germline.
Comment: Has not been previously published in association with cardiac disorders as pathogenic or benign to our knowledge; Not observed at significant frequency in large population cohorts (gnomAD); In silico analysis suggests that this missense variant does not alter protein structure/function; This variant is associated with the following publications: (PMID: 32941702, 36931573)

Labcorp Genetics (formerly Invitae), Labcorp
Classification: Benign for Adams-Oliver syndrome 5. Last evaluated: 2025-12-08. Review status: criteria provided, single submitter. Criteria: Invitae Variant Classification Sherloc (09022015). Collection method: clinical testing. Allele origin: germline.

PreventionGenetics, part of Exact Sciences
Classification: Uncertain significance for NOTCH1-related condition. Last evaluated: 2025-01-11. Review status: criteria provided, single submitter. Criteria: ACMG Guidelines, 2015. Collection method: clinical testing. Allele origin: germline.
Comment: The NOTCH1 c.7313C>T variant is predicted to result in the amino acid substitution p.Pro2438Leu. To our knowledge, this variant has not been reported in the literature. This variant is reported in 0.0057% of alleles in individuals of Latino descent in gnomAD. At this time, the clinical significance of this variant is uncertain due to the absence of conclusive functional and genetic evidence.

Ambry Genetics
Classification: Uncertain significance for Familial thoracic aortic aneurysm and aortic dissection. Last evaluated: 2024-10-16. Review status: criteria provided, single submitter. Criteria: Ambry Variant Classification Scheme 2023. Collection method: clinical testing. Allele origin: germline.

Blueprint Genetics
Classification: Likely benign. Last evaluated: 2023-12-22. Review status: criteria provided, single submitter. Criteria: ACMG Guidelines, 2015. Collection method: clinical testing. Allele origin: germline.

CHEO Genetics Diagnostic Laboratory, Children's Hospital of Eastern Ontario
Classification: Uncertain significance for Familial thoracic aortic aneurysm and aortic dissection. Last evaluated: 2022-05-24. Review status: criteria provided, single submitter. Criteria: ACMG Guidelines, 2015. Collection method: clinical testing. Allele origin: germline.

Genome-Nilou Lab
Classification: Uncertain significance for Adams-Oliver syndrome 5. Last evaluated: 2022-03-15. Review status: criteria provided, single submitter. Criteria: ACMG Guidelines, 2015. Collection method: clinical testing. Allele origin: germline. Affected: no.

Genome-Nilou Lab
Classification: Uncertain significance for Aortic valve disease 1. Last evaluated: 2022-03-15. Review status: criteria provided, single submitter. Criteria: ACMG Guidelines, 2015. Collection method: clinical testing. Allele origin: germline. Affected: no.

Center for Genomics, Ann and Robert H. Lurie Children's Hospital of Chicago
Classification: Uncertain significance for Adams-Oliver syndrome 5; Aortic valve disease 1. Review status: criteria provided, single submitter. Criteria: ACMG Guidelines, 2015. Collection method: clinical testing. Allele origin: germline.
Comment: NOTCH1 NM_017617.4 exon 34 p.Pro2438Leu (c.7313C>T): This variant has not been reported in the literature but is present in 2/34172 Latino alleles in the Genome Aggregation Database. This variant is present in ClinVar (Variation ID:520091). This variant amino acid Leucine (Leu) is present in >40 species and is not well conserved among evolutionarily distant species; this suggests that this variant may not impact the protein. Additional computational prediction tools do not suggest an impact. In summary, data on this variant is insufficient for disease classification. Therefore, the clinical significance of this variant is uncertain.

NM_017617.5(NOTCH1):c.7313C>T (p.Pro2438Leu)

Gene: NOTCH1 (notch receptor 1; minus strand). Cytogenetic location: 9q34.3.
Variant type: single nucleotide variant.
Coding change: c.7313C>T on transcript NM_017617.5 (MANE Select); coding-DNA position 7313, C replaced by T.
Protein change: p.Pro2438Leu; replaces proline 2438 with leucine.
Molecular consequence: missense variant.
Genome position (GRCh38, 1-based): chr9:136,496,426, G>A on the plus strand (C>T on the coding strand, the complement: NOTCH1 is on the minus strand). VCF-style: chr9-136496426-G-A. GRCh37 (hg19) VCF-style: chr9-139390878-G-A.
Other names: c.7313C>T, p.Pro2438Leu (LRG_1122t1); c.7313C>T (NM_017617.4); short protein forms P2438L.
Identifiers: ClinVar variation 520091 (VCV000520091.29), dbSNP rs199777870, ClinGen allele CA5339700.